The following is an entry in ClinVar:

NM_145290.4(ADGRA3):c.1A>C (p.Met1Leu)

Gene: ADGRA3 (adhesion G protein-coupled receptor A3; minus strand). Cytogenetic location: 4p15.2.
Variant type: single nucleotide variant.
Coding change: c.1A>C on transcript NM_145290.4 (MANE Select); coding-DNA position 1, A replaced by C.
Protein change: p.Met1Leu; changes the start codon (methionine 1).
Molecular consequence: missense variant, initiator codon variant.
Genome position (GRCh38, 1-based): chr4:22,515,784, T>G on the plus strand (A>C on the coding strand, the complement: ADGRA3 is on the minus strand). VCF-style: chr4-22515784-T-G. GRCh37 (hg19) VCF-style: chr4-22517407-T-G.
Other names: short protein forms M1L.
Identifiers: ClinVar variation 1495031 (VCV001495031.9), dbSNP rs1307407463, ClinGen allele CA356508044.
Genomic context (GRCh38, chr4:22,515,784, plus strand): 5'-GCGAGAGCGGCAGCAACAGCGGCGGCTGCGCGCGGCCCCGCCGGCGTCCGGGTGGCTCCA[T>G]GCTGCGGGCCGGGGCCTGCGGGGCGAGCGGCGGCGCACTGGCCTAGCGGGCCGCCCCGGA-3'
Protein context (NP_660333.2, residues 1-11): [Met1Leu]EPPGRRRGRA

ClinVar aggregate classification (germline): Uncertain significance (1 of 4 stars; one submission).

Allele frequency attached by ClinVar (database versions not stated): gnomAD 0.00002; TOPMed 0.00002; gnomAD exomes 0.00010.

Submission:

Labcorp Genetics (formerly Invitae), Labcorp
Classification: Uncertain significance. Last evaluated: 2025-06-12. Review status: criteria provided, single submitter. Criteria: Invitae Variant Classification Sherloc (09022015). Collection method: clinical testing. Allele origin: germline.
Comment: This sequence change affects the initiator codon of the ADGRA3 mRNA. This change may impact translation initiation or efficiency. The next in-frame methionine is located at codon 198. This variant is present in population databases (no rsID available, gnomAD 0.007%). This variant has not been reported in the literature in individuals affected with ADGRA3-related conditions. ClinVar contains an entry for this variant (Variation ID: 1495031). Experimental studies and prediction algorithms are not available or were not evaluated, and the functional significance of this variant is currently unknown. In summary, the available evidence is currently insufficient to determine the role of this variant in disease. Therefore, it has been classified as a Variant of Uncertain Significance.